The following is an entry in ClinVar:

ClinVar aggregate classification (germline): Uncertain significance (1 of 4 stars; one submission).

gnomAD v4.1: 2 of 1,611,034 alleles (0.00012%); highest among the groups gnomAD compares: Non-Finnish European, 0.00017%; no homozygotes.

Submission:

Labcorp Genetics (formerly Invitae), Labcorp
Classification: Uncertain significance. Last evaluated: 2025-04-22. Review status: criteria provided, single submitter. Criteria: Invitae Variant Classification Sherloc (09022015). Collection method: clinical testing. Allele origin: germline.
Comment: This sequence change replaces tyrosine, which is neutral and polar, with cysteine, which is neutral and slightly polar, at codon 410 of the NFKB1 protein (p.Tyr410Cys). This variant is not present in population databases (gnomAD no frequency). This variant has not been reported in the literature in individuals affected with NFKB1-related conditions. An algorithm developed to predict the effect of missense changes on protein structure and function (PolyPhen-2) suggests that this variant is likely to be disruptive. In summary, the available evidence is currently insufficient to determine the role of this variant in disease. Therefore, it has been classified as a Variant of Uncertain Significance.

NM_003998.4(NFKB1):c.1229A>G (p.Tyr410Cys)

Gene: NFKB1 (nuclear factor kappa B subunit 1; plus strand). Cytogenetic location: 4q24.
Variant type: single nucleotide variant.
Coding change: c.1229A>G on transcript NM_003998.4 (MANE Select); coding-DNA position 1229, A replaced by G.
Protein change: p.Tyr410Cys; replaces tyrosine 410 with cysteine.
Molecular consequence: missense variant.
Genome position (GRCh38, 1-based): chr4:102,594,910, A>G. VCF-style: chr4-102594910-A-G. GRCh37 (hg19) VCF-style: chr4-103516067-A-G.
Other names: c.1226A>G, p.Tyr409Cys (NM_001165412.2, NM_001319226.2, NM_001382627.1); c.1229A>G, p.Tyr410Cys (NM_001382625.1, NM_001382626.1); c.1187A>G, p.Tyr396Cys (NM_001382628.1); short protein forms Y410C, Y396C, Y409C.
Identifiers: ClinVar variation 4781876 (VCV004781876.1).
Genomic context (GRCh38, chr4:102,594,910, plus strand): 5'-AATATCTTCATGATGTTTCATTTGTTTTACTTGCCGTTTCAGGGTATAGCTTCCCACACT[A>G]TGGATTTCCTACTTATGGTGGGATTACTTTCCATCCTGGAACTACTAAATCTAATGCTGG-3'
Protein context (NP_003989.2, residues 400-420): STGPGYSFPH[Tyr410Cys]GFPTYGGITF